The following is an entry in ClinVar:

ClinVar aggregate classification (germline): Conflicting classifications of pathogenicity. Review status: criteria provided, conflicting classifications (1 of 4 stars). 5 submissions from 5 submitters: Uncertain significance (1); Benign (1); Likely benign (2). 1 of the submissions does not count toward it. Last evaluated 2026-01-27.

Conditions:
KCND2-related disorder. Also called: KCND2-related condition.
Inborn genetic diseases. Identifiers: MedGen C0950123, MeSH D030342.
Early Myoclonic Encephalopathy. Identifiers: MedGen C0270855.

Allele frequency attached by ClinVar (database versions not stated): TOPMed 0.00045; gnomAD exomes 0.00058 and 0.00060; ExAC 0.00071; ESP Exome Variant Server 0.00062; gnomAD 0.00102 and 0.00098.
gnomAD v4.1: 1,016 of 1,613,834 alleles (0.063%); highest among the groups gnomAD compares: Non-Finnish European, 0.079%; 3 homozygotes.

Submissions (5):

Labcorp Genetics (formerly Invitae), Labcorp
Classification: Likely benign for Early Myoclonic Encephalopathy. Last evaluated: 2026-01-27. Review status: criteria provided, single submitter. Criteria: Invitae Variant Classification Sherloc (09022015). Collection method: clinical testing. Allele origin: germline.

Women's Health and Genetics/Laboratory Corporation of America, LabCorp
Classification: Likely benign. Last evaluated: 2025-11-24. Review status: criteria provided, single submitter. Criteria: LabCorp Variant Classification Summary - May 2015. Collection method: clinical testing. Allele origin: germline.

Laboratory of Genetics, Children's Clinical University Hospital Latvia
Classification: Benign. Last evaluated: 2025-02-16. Review status: criteria provided, single submitter. Criteria: ACMG Guidelines, 2015. Collection method: clinical testing. Allele origin: germline. Affected: yes.

Ambry Genetics
Classification: Uncertain significance for Inborn genetic diseases. Last evaluated: 2021-10-26. Review status: criteria provided, single submitter. Criteria: Ambry Variant Classification Scheme 2023. Collection method: clinical testing. Allele origin: germline.

PreventionGenetics, part of Exact Sciences
Classification: Likely benign for KCND2-related condition. Last evaluated: 2022-07-14. Review status: no assertion criteria provided. Collection method: clinical testing. Allele origin: germline. Not counted in ClinVar's aggregate classification.
Comment: This variant is classified as likely benign based on ACMG/AMP sequence variant interpretation guidelines (Richards et al. 2015 PMID: 25741868, with internal and published modifications).

NM_012281.3(KCND2):c.746C>T (p.Ala249Val)

Gene: KCND2 (potassium voltage-gated channel subfamily D member 2; plus strand). Cytogenetic location: 7q31.31.
Variant type: single nucleotide variant.
Coding change: c.746C>T on transcript NM_012281.3 (MANE Select); coding-DNA position 746, C replaced by T.
Protein change: p.Ala249Val; replaces alanine 249 with valine.
Molecular consequence: missense variant.
Genome position (GRCh38, 1-based): chr7:120,275,378, C>T. VCF-style: chr7-120275378-C-T. GRCh37 (hg19) VCF-style: chr7-119915432-C-T.
Other names: short protein forms A249V.
Identifiers: ClinVar variation 460205 (VCV000460205.16), dbSNP rs146220085, ClinGen allele CA4453539.